The following is an entry in ClinVar:

NM_181882.3(PRX):c.862G>C (p.Val288Leu)

Gene: PRX (periaxin; minus strand). Cytogenetic location: 19q13.2.
Variant type: single nucleotide variant.
Coding change: c.862G>C on transcript NM_181882.3 (MANE Select); coding-DNA position 862, G replaced by C.
Protein change: p.Val288Leu; replaces valine 288 with leucine.
Molecular consequence: missense variant. On other transcripts: 3 prime UTR variant (1).
Genome position (GRCh38, 1-based): chr19:40,397,490, C>G on the plus strand (G>C on the coding strand, the complement: PRX is on the minus strand). VCF-style: chr19-40397490-C-G. GRCh37 (hg19) VCF-style: chr19-40903397-C-G.
Other names: c.*1067G>C (NM_020956.2); short protein forms V288L.
Identifiers: ClinVar variation 694921 (VCV000694921.5), dbSNP rs568618329, ClinGen allele CA405899545.

ClinVar aggregate classification (germline): Uncertain significance. Review status: criteria provided, single submitter (1 of 4 stars). 2 submissions from 2 submitters: Uncertain significance (1). 1 of the submissions does not count toward it. Last evaluated 2022-04-23.

Conditions:
Charcot-Marie-Tooth disease type 4. Also called: Charcot-Marie-Tooth, Type 4; Charcot-Marie-Tooth disease, type IV. Identifiers: Orphanet 64749, MedGen C4082197, MONDO:0018995.
Distal spinal muscular atrophy. Also called: Distal hereditary motor neuronopathy; Distal hereditary motor neuropathy. Identifiers: Orphanet 53739, MedGen C0393541, MONDO:0018894.

gnomAD v4.1: 8 of 1,560,328 alleles (0.00051%); highest among the groups gnomAD compares: Non-Finnish European, 0.00069%; no homozygotes.

Submissions (2):

Labcorp Genetics (formerly Invitae), Labcorp
Classification: Uncertain significance for Charcot-Marie-Tooth disease type 4. Last evaluated: 2022-04-23. Review status: criteria provided, single submitter. Criteria: Invitae Variant Classification Sherloc (09022015). Collection method: clinical testing. Allele origin: germline.
Comment: In summary, the available evidence is currently insufficient to determine the role of this variant in disease. Therefore, it has been classified as a Variant of Uncertain Significance. Algorithms developed to predict the effect of missense changes on protein structure and function output the following: SIFT: "Tolerated"; PolyPhen-2: "Benign"; Align-GVGD: "Class C0". The leucine amino acid residue is found in multiple mammalian species, which suggests that this missense change does not adversely affect protein function. ClinVar contains an entry for this variant (Variation ID: 694921). This variant has not been reported in the literature in individuals affected with PRX-related conditions. This variant is not present in population databases (gnomAD no frequency). This sequence change replaces valine, which is neutral and non-polar, with leucine, which is neutral and non-polar, at codon 288 of the PRX protein (p.Val288Leu).

Genesis Genome Database
Classification: Uncertain significance for Distal spinal muscular atrophy. Last evaluated: 2019-08-14. Review status: no assertion criteria provided. Collection method: research. Allele origin: germline. Affected: yes. Not counted in ClinVar's aggregate classification.